The following is an entry in ClinVar:

NM_172351.3(CD46):c.353A>C (p.Glu118Ala)

Gene: CD46 (CD46 molecule; plus strand). Cytogenetic location: 1q32.2.
Variant type: single nucleotide variant.
Coding change: c.353A>C on transcript NM_172351.3 (MANE Select); coding-DNA position 353, A replaced by C.
Protein change: p.Glu118Ala; replaces glutamic acid 118 with alanine.
Molecular consequence: missense variant.
Genome position (GRCh38, 1-based): chr1:207,757,606, A>C. VCF-style: chr1-207757606-A-C. GRCh37 (hg19) VCF-style: chr1-207930951-A-C.
Other names: c.353A>C, p.Glu118Ala (NM_002389.4, NM_153826.4, NM_172350.3 and 8 more transcripts); short protein forms E118A.
Identifiers: ClinVar variation 4291260 (VCV004291260.1).

ClinVar aggregate classification (germline): Uncertain significance (1 of 4 stars; one submission).

Conditions:
Atypical hemolytic-uremic syndrome. Identifiers: Orphanet 2134, MedGen C2931788, MONDO:0016244.

Submission:

Genomenon, Inc
Classification: Uncertain significance for Atypical hemolytic-uremic syndrome. Last evaluated: 2025-10-02. Review status: criteria provided, single submitter. Criteria: Genomenon Sequence Variant Interpretation Standards. Collection method: curation. Allele origin: germline. Affected: no.
Comment: CD46 p.Glu118Ala (c.353A>C) is a missense variant that changes the amino acid at residue 118 from Glutamic acid to Alanine. This variant has been reported in the published literature (PMID:11093164;9268348;16014961;26357573). It is absent or not present at a significant frequency in gnomAD. In silico models agree that this variant is not damaging. In conclusion, we classify CD46 p.Glu118Ala (c.353A>C) as a variant of uncertain significance.

Literature cited by the submitters: PubMed 11093164; PubMed 9268348; PubMed 16014961; PubMed 26357573.